The following is an entry in ClinVar:

NM_020163.3(SEMA3G):c.1793G>T (p.Ser598Ile)

Gene: SEMA3G (semaphorin 3G; minus strand). Cytogenetic location: 3p21.1.
Variant type: single nucleotide variant.
Coding change: c.1793G>T on transcript NM_020163.3 (MANE Select); coding-DNA position 1793, G replaced by T.
Protein change: p.Ser598Ile; replaces serine 598 with isoleucine.
Molecular consequence: missense variant.
Genome position (GRCh38, 1-based): chr3:52,437,612, C>A on the plus strand (G>T on the coding strand, the complement: SEMA3G is on the minus strand). VCF-style: chr3-52437612-C-A. GRCh37 (hg19) VCF-style: chr3-52471628-C-A.
Other names: short protein forms S598I.
Identifiers: ClinVar variation 2628622 (VCV002628622.1), dbSNP rs767988634, ClinGen allele CA2437816.

ClinVar aggregate classification (germline): Uncertain significance (1 of 4 stars; one submission).

Conditions:
SEMA3G-related disorder. Also called: SEMA3G-related condition.

Allele frequency attached by ClinVar (database versions not stated): ExAC 0.00001; gnomAD 0.00001; gnomAD exomes 0.00001.
gnomAD v4.1: 13 of 1,613,034 alleles (0.00081%); highest among the groups gnomAD compares: African/African-American, 0.0013%; no homozygotes.

Submission:

PreventionGenetics, part of Exact Sciences
Classification: Uncertain significance for SEMA3G-related condition. Last evaluated: 2023-09-03. Review status: criteria provided, single submitter. Criteria: ACMG Guidelines, 2015. Collection method: clinical testing. Allele origin: germline.
Comment: The SEMA3G c.1793G>T variant is predicted to result in the amino acid substitution p.Ser598Ile. To our knowledge, this variant has not been reported in the literature. This variant is reported in 0.00089% of alleles in individuals of European (Non-Finnish) descent in gnomAD. At this time, the clinical significance of this variant is uncertain due to the absence of conclusive functional and genetic evidence.